The following is an entry in ClinVar:

NM_014365.3(HSPB8):c.226A>T (p.Thr76Ser)

Gene: HSPB8 (heat shock protein family B (small) member 8; plus strand). Cytogenetic location: 12q24.23.
Variant type: single nucleotide variant.
Coding change: c.226A>T on transcript NM_014365.3 (MANE Select); coding-DNA position 226, A replaced by T.
Protein change: p.Thr76Ser; replaces threonine 76 with serine.
Molecular consequence: missense variant.
Genome position (GRCh38, 1-based): chr12:119,179,538, A>T. VCF-style: chr12-119179538-A-T. GRCh37 (hg19) VCF-style: chr12-119617343-A-T.
Other names: short protein forms T76S.
Identifiers: ClinVar variation 3617690 (VCV003617690.2).

ClinVar aggregate classification (germline): Uncertain significance (1 of 4 stars; one submission).

Conditions:
Charcot-Marie-Tooth disease axonal type 2L. Also called: Charcot-Marie-Tooth Neuropathy Type 2L; CHARCOT-MARIE-TOOTH DISEASE, AXONAL, AUTOSOMAL DOMINANT, TYPE 2L; CHARCOT-MARIE-TOOTH NEUROPATHY, AXONAL, TYPE 2L. Identifiers: Orphanet 99945, MedGen C1837552, MONDO:0012096, OMIM 608673.

Submission:

Labcorp Genetics (formerly Invitae), Labcorp
Classification: Uncertain significance for Charcot-Marie-Tooth disease axonal type 2L. Last evaluated: 2024-08-28. Review status: criteria provided, single submitter. Criteria: Invitae Variant Classification Sherloc (09022015). Collection method: clinical testing. Allele origin: germline.
Comment: This sequence change replaces threonine, which is neutral and polar, with serine, which is neutral and polar, at codon 76 of the HSPB8 protein (p.Thr76Ser). This variant is not present in population databases (gnomAD no frequency). This variant has not been reported in the literature in individuals affected with HSPB8-related conditions. An algorithm developed to predict the effect of missense changes on protein structure and function outputs the following: PolyPhen-2: "Benign". The serine amino acid residue is found in multiple mammalian species, which suggests that this missense change does not adversely affect protein function. In summary, the available evidence is currently insufficient to determine the role of this variant in disease. Therefore, it has been classified as a Variant of Uncertain Significance.